The following is an entry in ClinVar:

ClinVar aggregate classification (germline): Uncertain significance (1 of 4 stars; one submission).

Submission:

Clinical Genomics Laboratory, Washington University in St. Louis
Classification: Uncertain significance. Last evaluated: 2024-08-19. Review status: criteria provided, single submitter. Criteria: ACMG Guidelines, 2015. Collection method: clinical testing. Allele origin: germline.
Comment: The CLSTN3 c.2525C>T (p.Ser842Phe) variant, to our knowledge, has not been reported in the medical literature and is absent from the general population (gnomAD v.2.1.1), indicating it is not a common variant. Computational predictors suggest that the variant does not impact CLSTN3 function. Due to limited information, the clinical significance of this variant is uncertain.

NM_014718.4(CLSTN3):c.2525C>T (p.Ser842Phe)

Gene: CLSTN3 (calsyntenin 3; plus strand). Cytogenetic location: 12p13.31.
Variant type: single nucleotide variant.
Coding change: c.2525C>T on transcript NM_014718.4 (MANE Select); coding-DNA position 2525, C replaced by T.
Protein change: p.Ser842Phe; replaces serine 842 with phenylalanine.
Molecular consequence: missense variant.
Genome position (GRCh38, 1-based): chr12:7,151,061, C>T. VCF-style: chr12-7151061-C-T. GRCh37 (hg19) VCF-style: chr12-7303657-C-T.
Other names: short protein forms S842F.
Identifiers: ClinVar variation 3600386 (VCV003600386.1).